The following is an entry in ClinVar:

ClinVar aggregate classification (germline): Uncertain significance. Review status: criteria provided, multiple submitters, no conflicts (2 of 4 stars). 2 submissions from 2 submitters: Uncertain significance (2). Last evaluated 2025-05-27.

Conditions:
Hereditary cancer-predisposing syndrome. Also called: Tumor predisposition; Hereditary Cancer Syndrome; Neoplastic Syndromes, Hereditary; Hereditary neoplastic syndrome. Identifiers: Orphanet 140162, MedGen C0027672, MeSH D009386, MONDO:0015356.
Haddad syndrome (OHD). Also called: Ondine-Hirschsprung disease. Identifiers: Orphanet 99803, MedGen C1859049, MONDO:0020493.

gnomAD v4.1: 7 of 1,609,398 alleles (0.00043%); highest among the groups gnomAD compares: East Asian, 0.016%; no homozygotes.

Submissions (2):

Ambry Genetics
Classification: Uncertain significance for Hereditary cancer-predisposing syndrome. Last evaluated: 2025-05-27. Review status: criteria provided, single submitter. Criteria: Ambry Variant Classification Scheme 2023. Collection method: clinical testing. Allele origin: germline.
Comment: The p.N302T variant (also known as c.905A>C), located in coding exon 3 of the PHOX2B gene, results from an A to C substitution at nucleotide position 905. The asparagine at codon 302 is replaced by threonine, an amino acid with similar properties. This variant was identified in a cohort of autopsied sudden unexpected infant death cases (Ueda A et al. PLoS One, 2022 Apr;17:e0267751). This amino acid position is highly conserved in available vertebrate species. In addition, the in silico prediction for this alteration is inconclusive. Based on the available evidence, the clinical significance of this variant remains unclear.

Labcorp Genetics (formerly Invitae), Labcorp
Classification: Uncertain significance for Haddad syndrome. Last evaluated: 2022-08-09. Review status: criteria provided, single submitter. Criteria: Invitae Variant Classification Sherloc (09022015). Collection method: clinical testing. Allele origin: germline.
Comment: This sequence change replaces asparagine, which is neutral and polar, with threonine, which is neutral and polar, at codon 302 of the PHOX2B protein (p.Asn302Thr). In summary, the available evidence is currently insufficient to determine the role of this variant in disease. Therefore, it has been classified as a Variant of Uncertain Significance. Algorithms developed to predict the effect of missense changes on protein structure and function are either unavailable or do not agree on the potential impact of this missense change (SIFT: "Deleterious"; PolyPhen-2: "Not Available"; Align-GVGD: "Class C0"). ClinVar contains an entry for this variant (Variation ID: 822948). This variant has not been reported in the literature in individuals affected with PHOX2B-related conditions. This variant is not present in population databases (gnomAD no frequency).

Literature cited by the submitters: PubMed 35486589 (cited by Ambry Genetics).

NM_003924.4(PHOX2B):c.905A>C (p.Asn302Thr)

Gene: PHOX2B (paired like homeobox 2B; minus strand). Cytogenetic location: 4p13.
Variant type: single nucleotide variant.
Coding change: c.905A>C on transcript NM_003924.4 (MANE Select); coding-DNA position 905, A replaced by C.
Protein change: p.Asn302Thr; replaces asparagine 302 with threonine.
Molecular consequence: missense variant.
Genome position (GRCh38, 1-based): chr4:41,745,847, T>G on the plus strand (A>C on the coding strand, the complement: PHOX2B is on the minus strand). VCF-style: chr4-41745847-T-G. GRCh37 (hg19) VCF-style: chr4-41747864-T-G.
Other names: short protein forms N302T.
Identifiers: ClinVar variation 822948 (VCV000822948.15), dbSNP rs779068107, ClinGen allele CA356736775.